The following is an entry in ClinVar:

ClinVar aggregate classification (germline): Uncertain significance (1 of 4 stars; one submission).

Conditions:
Charcot-Marie-Tooth disease axonal type 2V. Also called: CHARCOT-MARIE-TOOTH NEUROPATHY, TYPE 2V; CHARCOT-MARIE-TOOTH DISEASE, AXONAL, AUTOSOMAL DOMINANT, TYPE 2V. Identifiers: Orphanet 447964, MedGen C5569050, MONDO:0014665, OMIM 616491.
Mucopolysaccharidosis, MPS-III-B (MPS3B). Also called: N-ACETYL-ALPHA-D-GLUCOSAMINIDASE DEFICIENCY; NAGLU DEFICIENCY; SANFILIPPO SYNDROME B; MPS III B; MUCOPOLYSACCHARIDOSIS, TYPE IIIB; Mucopolysaccharidosis type IIIB (Sanfilippo B). Identifiers: Orphanet 79270, MedGen C0086648, MONDO:0009656, OMIM 252920.

Allele frequency attached by ClinVar (database versions not stated): ExAC 0.00012.
gnomAD v4.1: 9 of 1,491,418 alleles (0.0006%); highest among the groups gnomAD compares: South Asian, 0.0087%; no homozygotes.

Submission:

Labcorp Genetics (formerly Invitae), Labcorp
Classification: Uncertain significance for Charcot-Marie-Tooth disease axonal type 2V; Mucopolysaccharidosis, MPS-III-B. Last evaluated: 2025-05-27. Review status: criteria provided, single submitter. Criteria: Invitae Variant Classification Sherloc (09022015). Collection method: clinical testing. Allele origin: germline.
Comment: This sequence change falls in intron 1 of the NAGLU gene. It does not directly change the encoded amino acid sequence of the NAGLU protein. It affects a nucleotide within the consensus splice site. This variant is present in population databases (rs762932040, gnomAD 0.01%). This variant has not been reported in the literature in individuals affected with NAGLU-related conditions. ClinVar contains an entry for this variant (Variation ID: 2195241). Variants that disrupt the consensus splice site are a relatively common cause of aberrant splicing (PMID: 17576681, 9536098). Algorithms developed to predict the effect of sequence changes on RNA splicing suggest that this variant is not likely to affect RNA splicing. In summary, the available evidence is currently insufficient to determine the role of this variant in disease. Therefore, it has been classified as a Variant of Uncertain Significance.

Literature cited by the submitters: PubMed 17576681; PubMed 9536098.

NM_000263.4(NAGLU):c.383+5C>T

Gene: NAGLU (N-acetyl-alpha-glucosaminidase; plus strand). Cytogenetic location: 17q21.2.
Variant type: single nucleotide variant.
Coding change: c.383+5C>T on transcript NM_000263.4 (MANE Select); 5 bases into the intron after coding-DNA position 383, C replaced by T.
Molecular consequence: intron variant.
Genome position (GRCh38, 1-based): chr17:42,536,660, C>T. VCF-style: chr17-42536660-C-T. GRCh37 (hg19) VCF-style: chr17-40688678-C-T.
Identifiers: ClinVar variation 2195241 (VCV002195241.2), dbSNP rs762932040, ClinGen allele CA8576710.